The following is an entry in ClinVar:

NM_007227.3(GPR45):c.770T>A (p.Val257Glu)

Gene: GPR45 (G protein-coupled receptor 45; plus strand). Cytogenetic location: 2q12.1.
Variant type: single nucleotide variant.
Coding change: c.770T>A on transcript NM_007227.3 (MANE Select); coding-DNA position 770, T replaced by A.
Protein change: p.Val257Glu; replaces valine 257 with glutamic acid.
Molecular consequence: missense variant.
Genome position (GRCh38, 1-based): chr2:105,242,628, T>A. VCF-style: chr2-105242628-T-A. GRCh37 (hg19) VCF-style: chr2-105859085-T-A.
Other names: short protein forms V257E.
Identifiers: ClinVar variation 2904531 (VCV002904531.3), dbSNP rs1676373780, ClinGen allele CA348101185.

ClinVar aggregate classification (germline): Uncertain significance (1 of 4 stars; one submission).

Allele frequency attached by ClinVar (database versions not stated): gnomAD 0.00001; gnomAD exomes 0.00001.

Submission:

Labcorp Genetics (formerly Invitae), Labcorp
Classification: Uncertain significance. Last evaluated: 2023-12-05. Review status: criteria provided, single submitter. Criteria: Invitae Variant Classification Sherloc (09022015). Collection method: clinical testing. Allele origin: germline.
Comment: This sequence change replaces valine, which is neutral and non-polar, with glutamic acid, which is acidic and polar, at codon 257 of the GPR45 protein (p.Val257Glu). This variant is not present in population databases (gnomAD no frequency). This variant has not been reported in the literature in individuals affected with GPR45-related conditions. An algorithm developed to predict the effect of missense changes on protein structure and function (PolyPhen-2) suggests that this variant is likely to be tolerated. In summary, the available evidence is currently insufficient to determine the role of this variant in disease. Therefore, it has been classified as a Variant of Uncertain Significance.